The following is an entry in ClinVar:

NM_017662.5(TRPM6):c.2750C>G (p.Ala917Gly)

Gene: TRPM6 (transient receptor potential cation channel subfamily M member 6; minus strand). Cytogenetic location: 9q21.13.
Variant type: single nucleotide variant.
Coding change: c.2750C>G on transcript NM_017662.5 (MANE Select); coding-DNA position 2750, C replaced by G.
Protein change: p.Ala917Gly; replaces alanine 917 with glycine.
Molecular consequence: missense variant.
Genome position (GRCh38, 1-based): chr9:74,786,043, G>C on the plus strand (C>G on the coding strand, the complement: TRPM6 is on the minus strand). VCF-style: chr9-74786043-G-C. GRCh37 (hg19) VCF-style: chr9-77400959-G-C.
Other names: c.2735C>G, p.Ala912Gly (NM_001177310.2, NM_001177311.2); short protein forms A912G, A917G.
Identifiers: ClinVar variation 4999651 (VCV004999651.1).
Genomic context (GRCh38, chr9:74,786,043, plus strand): 5'-GCTGTGTGAAAAGGAGGGTCACCCCATCGAAGGACGAAGCCAGCTGAAAACAGGCCAATG[G>C]CCACAGTTTCTGTTAAGTTCCAGTACTCACTAATCCATACCTTCACCTTTTGGGTAAACT-3'
Protein context (NP_060132.3, residues 907-927): SEYWNLTETV[Ala917Gly]IGLFSAGFVL

ClinVar aggregate classification (germline): Uncertain significance (1 of 4 stars; one submission).

Conditions:
TRPM6-related disorder. Also called: TRPM6-related condition.

Submission:

PreventionGenetics, part of Exact Sciences
Classification: Uncertain significance for TRPM6-related condition. Last evaluated: 2025-03-12. Review status: criteria provided, single submitter. Criteria: ACMG Guidelines, 2015. Collection method: clinical testing. Allele origin: germline.
Comment: The TRPM6 c.2750C>G variant is predicted to result in the amino acid substitution p.Ala917Gly. To our knowledge, this variant has not been reported in the literature or in a large population database (gnomAD), indicating this variant is rare. At this time, the clinical significance of this variant is uncertain due to the absence of conclusive functional and genetic evidence.